The following is an entry in ClinVar:

NM_012062.5(DNM1L):c.716T>A (p.Leu239His)

Gene: DNM1L (dynamin 1 like; plus strand). Cytogenetic location: 12p11.21.
Variant type: single nucleotide variant.
Coding change: c.716T>A on transcript NM_012062.5 (MANE Select); coding-DNA position 716, T replaced by A.
Protein change: p.Leu239His; replaces leucine 239 with histidine.
Molecular consequence: missense variant. On other transcripts: intron variant (1).
Genome position (GRCh38, 1-based): chr12:32,718,739, T>A. VCF-style: chr12-32718739-T-A. GRCh37 (hg19) VCF-style: chr12-32871673-T-A.
Other names: c.716T>A, p.Leu239His (NM_001278463.2, NM_005690.5, NM_012063.4); c.755T>A, p.Leu252His (NM_001278464.2, NM_001278465.2, NM_001330380.2); c.132-1925T>A (NM_001278466.2); short protein forms L239H, L252H.
Identifiers: ClinVar variation 4735528 (VCV004735528.1).

ClinVar aggregate classification (germline): Uncertain significance (1 of 4 stars; one submission).

Submission:

Labcorp Genetics (formerly Invitae), Labcorp
Classification: Uncertain significance. Last evaluated: 2026-01-17. Review status: criteria provided, single submitter. Criteria: Invitae Variant Classification Sherloc (09022015). Collection method: clinical testing. Allele origin: germline.
Comment: This sequence change replaces leucine, which is neutral and non-polar, with histidine, which is basic and polar, at codon 239 of the DNM1L protein (p.Leu239His). This variant is not present in population databases (gnomAD no frequency). This variant has not been reported in the literature in individuals affected with DNM1L-related conditions. An algorithm developed to predict the effect of missense changes on protein structure and function (PolyPhen-2) suggests that this variant is likely to be disruptive. In summary, the available evidence is currently insufficient to determine the role of this variant in disease. Therefore, it has been classified as a Variant of Uncertain Significance.